The following is an entry in ClinVar:

NR_185835.1(ATXN8OS):n.1243G>T

Gene: ATXN8OS (ATXN8 opposite strand lncRNA; plus strand). Cytogenetic location: 13q21.33.
Variant type: single nucleotide variant.
Molecular consequence: non-coding transcript variant (on NR_185835.1).
Genome position: GRCh38 VCF-style: chr13-70164877-G-T. GRCh37 (hg19) VCF-style: chr13-70739009-G-T.
Identifiers: ClinVar variation 4281287 (VCV004281287.7).

ClinVar aggregate classification (germline): Benign (1 of 4 stars; one submission).

gnomAD v4.1: 952 of 152,048 alleles (0.63%); highest among the groups gnomAD compares: Admixed American, 1%; 15 homozygotes.

Submission:

CeGaT Center for Human Genetics Tuebingen
Classification: Benign. Last evaluated: 2026-01-01. Review status: criteria provided, single submitter. Criteria: CeGaT Center For Human Genetics Tuebingen Variant Classification Criteria Version 2. Collection method: clinical testing. Allele origin: germline. Affected: yes. Observed: 3 variant alleles.
Comment: ATXN8OS: BS1, BS2